The following is an entry in ClinVar:

ClinVar aggregate classification (germline): Uncertain significance (1 of 4 stars; one submission).

Submission:

GeneDx
Classification: Uncertain significance. Last evaluated: 2023-04-27. Review status: criteria provided, single submitter. Criteria: GeneDx Variant Classification Process June 2021. Collection method: clinical testing. Allele origin: germline. Affected: yes.
Comment: Not observed at significant frequency in large population cohorts (gnomAD); In-frame insertion of 2 amino acids in a non-repeat region; Has not been previously published as pathogenic or benign to our knowledge

NM_000875.5(IGF1R):c.1698_1703dup (p.Leu568_His569insLeuLeu)

Gene: IGF1R (insulin like growth factor 1 receptor; plus strand). Cytogenetic location: 15q26.3.
Variant type: Duplication.
Coding change: c.1698_1703dup on transcript NM_000875.5 (MANE Select); coding-DNA positions 1698 to 1703, 6 bases duplicated (CTTACT; older notation c.1698_1703dupCTTACT).
Protein change: p.Leu568_His569insLeuLeu.
Molecular consequence: inframe insertion.
Genome position (GRCh38, 1-based): chr15:98,913,152-98,913,157, CTTACT duplicated; duplicating any 6 consecutive bases within chr15:98,913,151-98,913,157 gives the same sequence; the c. name uses the placement nearest the transcript's 3' end. VCF-style (leftmost placement, unchanged base first): chr15-98913150-A-ATCTTAC. GRCh37 (hg19) VCF-style: chr15-99456379-A-ATCTTAC.
Other names: c.1698_1703dup, p.Leu568_His569insLeuLeu (NM_001291858.2).
Identifiers: ClinVar variation 2663225 (VCV002663225.1), dbSNP rs2506014408, ClinGen allele CA2695197219.